The following is an entry in ClinVar:

NM_001371986.1(UNC80):c.5959C>T (p.Pro1987Ser)

Gene: UNC80 (unc-80 subunit of NALCN channel complex; plus strand). Cytogenetic location: 2q34.
Variant type: single nucleotide variant.
Coding change: c.5959C>T on transcript NM_001371986.1 (MANE Select); coding-DNA position 5959, C replaced by T.
Protein change: p.Pro1987Ser; replaces proline 1987 with serine.
Molecular consequence: missense variant.
Genome position (GRCh38, 1-based): chr2:209,931,019, C>T. VCF-style: chr2-209931019-C-T. GRCh37 (hg19) VCF-style: chr2-210795743-C-T.
Other names: c.5761C>T, p.Pro1921Ser (NM_032504.2); c.5746C>T, p.Pro1916Ser (NM_182587.4); short protein forms P1921S, P1916S, P1987S.
Identifiers: ClinVar variation 1516510 (VCV001516510.6), dbSNP rs553131169, ClinGen allele CA65041510.

ClinVar aggregate classification (germline): Uncertain significance (1 of 4 stars; one submission).

Allele frequency attached by ClinVar (database versions not stated): gnomAD 0.00001; gnomAD exomes 0.00001.
gnomAD v4.1: 7 of 1,550,526 alleles (0.00045%); highest among the groups gnomAD compares: Non-Finnish European, 0.00052%; no homozygotes.

Submission:

Labcorp Genetics (formerly Invitae), Labcorp
Classification: Uncertain significance. Last evaluated: 2026-02-02. Review status: criteria provided, single submitter. Criteria: Invitae Variant Classification Sherloc (09022015). Collection method: clinical testing. Allele origin: germline.
Comment: This sequence change replaces proline, which is neutral and non-polar, with serine, which is neutral and polar, at codon 1921 of the UNC80 protein (p.Pro1921Ser). This variant is present in population databases (rs553131169, gnomAD 0.003%). This variant has not been reported in the literature in individuals affected with UNC80-related conditions. ClinVar contains an entry for this variant (Variation ID: 1516510). Invitae Evidence Modeling of protein sequence and biophysical properties (such as structural, functional, and spatial information, amino acid conservation, physicochemical variation, residue mobility, and thermodynamic stability) indicates that this missense variant is not expected to disrupt UNC80 protein function with a negative predictive value of 80%. In summary, the available evidence is currently insufficient to determine the role of this variant in disease. Therefore, it has been classified as a Variant of Uncertain Significance.